The following is an entry in ClinVar:

ClinVar aggregate classification (germline): Uncertain significance (1 of 4 stars; one submission).

Conditions:
Hereditary cancer-predisposing syndrome. Also called: Neoplastic Syndromes, Hereditary; Tumor predisposition; Hereditary neoplastic syndrome; Hereditary Cancer Syndrome. Identifiers: Orphanet 140162, MedGen C0027672, MeSH D009386, MONDO:0015356.

Submission:

Ambry Genetics
Classification: Uncertain significance for Hereditary cancer-predisposing syndrome. Last evaluated: 2025-04-06. Review status: criteria provided, single submitter. Criteria: Ambry Variant Classification Scheme 2023. Collection method: clinical testing. Allele origin: germline.
Comment: The p.A76T variant (also known as c.226G>A), located in coding exon 2 of the MITF gene, results from a G to A substitution at nucleotide position 226. The alanine at codon 76 is replaced by threonine, an amino acid with similar properties. This amino acid position is conserved. In addition, this alteration is predicted to be tolerated by in silico analysis. Based on the available evidence, the clinical significance of this variant remains unclear.

NM_001354604.2(MITF):c.547G>A (p.Ala183Thr)

Gene: MITF (melanocyte inducing transcription factor; plus strand). Cytogenetic location: 3p13.
Variant type: single nucleotide variant.
Coding change: c.547G>A on transcript NM_001354604.2 (MANE Select); coding-DNA position 547, G replaced by A.
Protein change: p.Ala183Thr; replaces alanine 183 with threonine.
Molecular consequence: missense variant. On other transcripts: intron variant (1).
Genome position (GRCh38, 1-based): chr3:69,938,014, G>A. VCF-style: chr3-69938014-G-A. GRCh37 (hg19) VCF-style: chr3-69987165-G-A.
Other names: c.226G>A, p.Ala76Thr (NM_000248.4, NM_001184968.2, NM_198158.3); c.391G>A, p.Ala131Thr (NM_001184967.2, NM_001354608.2); c.544G>A, p.Ala182Thr (NM_001354605.2, NM_001354606.2, NM_006722.3); c.496G>A, p.Ala166Thr (NM_001354607.2); c.547G>A, p.Ala183Thr (NM_198159.3); c.499G>A, p.Ala167Thr (NM_198177.3); c.93+133G>A (NM_198178.3); short protein forms A166T, A167T, A131T, A76T, A182T, A183T.
Identifiers: ClinVar variation 4055185 (VCV004055185.1).